The following is an entry in ClinVar:

ClinVar aggregate classification (germline): Uncertain significance (1 of 4 stars; one submission).

Conditions:
Growth hormone insensitivity with immune dysregulation 1, autosomal recessive. Also called: Laron syndrome with immunodeficiency; GROWTH HORMONE INSENSITIVITY DUE TO POSTRECEPTOR DEFECT; LARON SYNDROME DUE TO POSTRECEPTOR DEFECT; GROWTH HORMONE INSENSITIVITY SYNDROME WITH IMMUNE DYSREGULATION 1, AUTOSOMAL RECESSIVE. Identifiers: Orphanet 220465, MedGen C5435698, MONDO:0100211, OMIM 245590.

Allele frequency attached by ClinVar (database versions not stated): TOPMed below 0.00001; gnomAD 0.00001.

Submission:

Labcorp Genetics (formerly Invitae), Labcorp
Classification: Uncertain significance for Growth hormone insensitivity with immune dysregulation 1, autosomal recessive. Last evaluated: 2022-07-11. Review status: criteria provided, single submitter. Criteria: Invitae Variant Classification Sherloc (09022015). Collection method: clinical testing. Allele origin: germline.
Comment: This variant has not been reported in the literature in individuals affected with STAT5B-related conditions. ClinVar contains an entry for this variant (Variation ID: 953139). Algorithms developed to predict the effect of missense changes on protein structure and function are either unavailable or do not agree on the potential impact of this missense change (SIFT: "Deleterious"; PolyPhen-2: "Benign"; Align-GVGD: "Class C0"). In summary, the available evidence is currently insufficient to determine the role of this variant in disease. Therefore, it has been classified as a Variant of Uncertain Significance. This variant is not present in population databases (gnomAD no frequency). This sequence change replaces arginine, which is basic and polar, with histidine, which is basic and polar, at codon 389 of the STAT5B protein (p.Arg389His).

NM_012448.4(STAT5B):c.1166G>A (p.Arg389His)

Gene: STAT5B (signal transducer and activator of transcription 5B; minus strand). Cytogenetic location: 17q21.2.
Variant type: single nucleotide variant.
Coding change: c.1166G>A on transcript NM_012448.4 (MANE Select); coding-DNA position 1166, G replaced by A.
Protein change: p.Arg389His; replaces arginine 389 with histidine.
Molecular consequence: missense variant.
Genome position (GRCh38, 1-based): chr17:42,218,154, C>T on the plus strand (G>A on the coding strand, the complement: STAT5B is on the minus strand). VCF-style: chr17-42218154-C-T. GRCh37 (hg19) VCF-style: chr17-40370172-C-T.
Other names: short protein forms R389H.
Identifiers: ClinVar variation 953139 (VCV000953139.10), dbSNP rs2080189238, ClinGen allele CA399584110.